The following is an entry in ClinVar:

ClinVar aggregate classification (germline): Uncertain significance. Review status: criteria provided, multiple submitters, no conflicts (2 of 4 stars). 3 submissions from 3 submitters: Uncertain significance (3). Last evaluated 2025-08-07.

Conditions:
Hereditary cancer-predisposing syndrome. Also called: Neoplastic Syndromes, Hereditary; Tumor predisposition; Hereditary Cancer Syndrome; Hereditary neoplastic syndrome. Identifiers: Orphanet 140162, MedGen C0027672, MeSH D009386, MONDO:0015356.
Familial adenomatous polyposis 2. Also called: FAP type 2; COLORECTAL ADENOMATOUS POLYPOSIS, AUTOSOMAL RECESSIVE; ADENOMAS, MULTIPLE COLORECTAL, AUTOSOMAL RECESSIVE; MYH-associated polyposis; MUTYH-associated polyposis; MUTYH-related attenuated familial adenomatous polyposis. Identifiers: Orphanet 220460, Orphanet 247798, MedGen C3272841, MONDO:0012041, OMIM 608456.

Submissions (3):

Ambry Genetics
Classification: Uncertain significance for Hereditary cancer-predisposing syndrome. Last evaluated: 2025-08-07. Review status: criteria provided, single submitter. Criteria: Ambry Variant Classification Scheme 2023. Collection method: clinical testing. Allele origin: germline.
Comment: The p.E423A variant (also known as c.1268A>C), located in coding exon 13 of the MUTYH gene, results from an A to C substitution at nucleotide position 1268. The glutamic acid at codon 423 is replaced by alanine, an amino acid with dissimilar properties. This amino acid position is conserved. In addition, the in silico prediction for this alteration is inconclusive. Based on the available evidence, the clinical significance of this variant remains unclear.

Dasa
Classification: Uncertain significance for Familial adenomatous polyposis 2. Last evaluated: 2025-07-21. Review status: criteria provided, single submitter. Criteria: DASA Assertion Criteria. Collection method: clinical testing. Allele origin: germline.
Comment: NM_001048174.2(MUTYH):c.1184A>C (p.Glu395Ala) is a missense variant that results in the substitution of glutamic acid with alanine. This variant is absent from population databases. Computational prediction algorithms are consistent with a benign effect. The currently available literature and clinical evidence are not sufficient to establish a definitive association between this variant and the reported condition. Therefore, this variant is classified as a variant of uncertain significance.

Labcorp Genetics (formerly Invitae), Labcorp
Classification: Uncertain significance for Familial adenomatous polyposis 2. Last evaluated: 2024-09-30. Review status: criteria provided, single submitter. Criteria: Invitae Variant Classification Sherloc (09022015). Collection method: clinical testing. Allele origin: germline.
Comment: This sequence change replaces glutamic acid, which is acidic and polar, with alanine, which is neutral and non-polar, at codon 423 of the MUTYH protein (p.Glu423Ala). This variant is not present in population databases (gnomAD no frequency). This variant has not been reported in the literature in individuals affected with MUTYH-related conditions. An algorithm developed to predict the effect of missense changes on protein structure and function outputs the following: PolyPhen-2: "Benign". The alanine amino acid residue is found in multiple mammalian species, which suggests that this missense change does not adversely affect protein function. In summary, the available evidence is currently insufficient to determine the role of this variant in disease. Therefore, it has been classified as a Variant of Uncertain Significance.

NM_001048174.2(MUTYH):c.1184A>C (p.Glu395Ala)

Gene: MUTYH (mutY DNA glycosylase; minus strand). Cytogenetic location: 1p34.1.
Variant type: single nucleotide variant.
Coding change: c.1184A>C on transcript NM_001048174.2 (MANE Select); coding-DNA position 1184, A replaced by C.
Protein change: p.Glu395Ala; replaces glutamic acid 395 with alanine.
Molecular consequence: missense variant. On other transcripts: non-coding transcript variant (7).
Genome position (GRCh38, 1-based): chr1:45,331,475, T>G on the plus strand (A>C on the coding strand, the complement: MUTYH is on the minus strand). VCF-style: chr1-45331475-T-G. GRCh37 (hg19) VCF-style: chr1-45797147-T-G.
Other names: c.1184A>C, p.Glu395Ala (NM_001048171.2, NM_001407070.1, NM_001407072.1 and 6 more transcripts); c.839A>C, p.Glu280Ala (NM_001350650.2, NM_001350651.2, NM_001407082.1); c.1217A>C, p.Glu406Ala (NM_001407069.1, NM_001407077.1, NM_001293191.2); c.1187A>C, p.Glu396Ala (NM_001407071.1, NM_001048172.2, NM_001407078.1 and 1 more transcripts); c.1100A>C, p.Glu367Ala (NM_001407075.1); c.908A>C, p.Glu303Ala (NM_001407091.1, NM_001293192.2, NM_001293196.2); c.1259A>C, p.Glu420Ala (NM_012222.3); c.1268A>C, p.Glu423Ala (NM_001128425.2); and 5 more; short protein forms E280A, E303A, E367A, E381A, E382A, E395A, E396A, E402A.
Identifiers: ClinVar variation 3603774 (VCV003603774.5).
Genomic context (GRCh38, chr1:45,331,475, plus strand): 5'-CTTACCTCCCCAAGGTGCCGGAGGTGCGTGGCTGGGAGGGGCCCAGCCCAACGCTGTAGT[T>G]CCTGCAGCAGGGCCTTGCGCTGAAGCTGCTCTGAGGGCTCCCAGGTCACGGACGGGAACT-3'
Protein context (NP_001041639.1, residues 385-405): EQLQRKALLQ[Glu395Ala]LQRWAGPLPA